The following is an entry in ClinVar:

ClinVar aggregate classification (germline): Likely benign. Review status: criteria provided, multiple submitters, no conflicts (2 of 4 stars). 3 submissions from 3 submitters: Likely benign (3). Last evaluated 2026-07-27.

Conditions:
SORL1-related disorder. Also called: SORL1-related condition.

Allele frequency attached by ClinVar (database versions not stated): TOPMed 0.00051; ExAC 0.00054; ESP Exome Variant Server 0.00077; 1000 Genomes Project 0.00040; gnomAD 0.00043; 1000 Genomes Project 30x 0.00047; gnomAD exomes 0.00048.
gnomAD v4.1: 738 of 1,614,116 alleles (0.046%); highest among the groups gnomAD compares: Non-Finnish European, 0.05%; no homozygotes.

Submissions (3):

PreventionGenetics, part of Exact Sciences
Classification: Likely benign for SORL1-related condition. Last evaluated: 2026-07-27. Review status: criteria provided, single submitter. Criteria: ACMG Guidelines, 2015. Collection method: clinical testing. Allele origin: germline.
Comment: This variant is classified as likely benign based on ACMG/AMP sequence variant interpretation guidelines (Richards et al. 2015 PMID: 25741868, with internal and published modifications).

Labcorp Genetics (formerly Invitae), Labcorp
Classification: Likely benign. Last evaluated: 2025-12-16. Review status: criteria provided, single submitter. Criteria: Invitae Variant Classification Sherloc (09022015). Collection method: clinical testing. Allele origin: germline.

GeneDx
Classification: Likely benign. Last evaluated: 2016-03-25. Review status: criteria provided, single submitter. Criteria: GeneDx Variant Classification (06012015). Collection method: clinical testing. Allele origin: germline. Affected: yes.
Comment: This variant is considered likely benign or benign based on one or more of the following criteria: it is a conservative change, it occurs at a poorly conserved position in the protein, it is predicted to be benign by multiple in silico algorithms, and/or has population frequency not consistent with disease.

NM_003105.6(SORL1):c.4303A>T (p.Thr1435Ser)

Gene: SORL1 (sortilin related receptor 1; plus strand). Cytogenetic location: 11q24.1.
Variant type: single nucleotide variant.
Coding change: c.4303A>T on transcript NM_003105.6 (MANE Select); coding-DNA position 4303, A replaced by T.
Protein change: p.Thr1435Ser; replaces threonine 1435 with serine.
Molecular consequence: missense variant.
Genome position (GRCh38, 1-based): chr11:121,591,090, A>T. VCF-style: chr11-121591090-A-T. GRCh37 (hg19) VCF-style: chr11-121461799-A-T.
Other names: short protein forms T1435S.
Identifiers: ClinVar variation 385183 (VCV000385183.10), dbSNP rs146353234, ClinGen allele CA6329588.